The following is an entry in ClinVar:

ClinVar aggregate classification (germline): Pathogenic (1 of 4 stars; one submission).

Allele frequency attached by ClinVar (database versions not stated): gnomAD exomes below 0.00001.
gnomAD v4.1: 2 of 1,614,084 alleles (0.00012%); highest among the groups gnomAD compares: Admixed American, 0.0017%; no homozygotes.

Submission:

Labcorp Genetics (formerly Invitae), Labcorp
Classification: Pathogenic. Last evaluated: 2025-04-16. Review status: criteria provided, single submitter. Criteria: Invitae Variant Classification Sherloc (09022015). Collection method: clinical testing. Allele origin: germline.
Comment: This sequence change creates a premature translational stop signal (p.Tyr12*) in the PDE6C gene. It is expected to result in an absent or disrupted protein product. Loss-of-function variants in PDE6C are known to be pathogenic (PMID: 19887631, 23776498, 26103963, 30080950). This variant is present in population databases (no rsID available, gnomAD 0.003%). This variant has not been reported in the literature in individuals affected with PDE6C-related conditions. ClinVar contains an entry for this variant (Variation ID: 959344). For these reasons, this variant has been classified as Pathogenic.

Literature cited by the submitters: PubMed 19887631; PubMed 23776498; PubMed 26103963; PubMed 30080950.

NM_006204.4(PDE6C):c.36C>A (p.Tyr12Ter)

Gene: PDE6C (phosphodiesterase 6C; plus strand). Cytogenetic location: 10q23.33.
Variant type: single nucleotide variant.
Coding change: c.36C>A on transcript NM_006204.4 (MANE Select); coding-DNA position 36, C replaced by A.
Protein change: p.Tyr12Ter; replaces tyrosine 12 with a stop codon.
Molecular consequence: nonsense.
Genome position (GRCh38, 1-based): chr10:93,612,761, C>A. VCF-style: chr10-93612761-C-A. GRCh37 (hg19) VCF-style: chr10-95372518-C-A.
Other names: short protein forms Y12*.
Identifiers: ClinVar variation 959344 (VCV000959344.7), dbSNP rs1012765041, ClinGen allele CA377621451.
Genomic context (GRCh38, chr10:93,612,761, plus strand): 5'-CAAACGCAGCAAAGCAAGCCACACCATGGGTGAGATCAACCAAGTTGCCGTGGAGAAATA[C>A]CTGGAGGAGAACCCTCAGTTTGCCAAGGAGTACTTTGACAGGAAGTTGCGGGTGGAGGTG-3'